The following is an entry in ClinVar:

ClinVar aggregate classification (germline): Uncertain significance (1 of 4 stars; one submission).

Allele frequency attached by ClinVar (database versions not stated): gnomAD 0.00001; gnomAD exomes 0.00001; TOPMed 0.00001.
gnomAD v4.1: 10 of 1,613,882 alleles (0.00062%); highest among the groups gnomAD compares: East Asian, 0.0022%; no homozygotes.

Submission:

CeGaT Center for Human Genetics Tuebingen
Classification: Uncertain significance. Last evaluated: 2026-08-01. Review status: criteria provided, single submitter. Criteria: CeGaT Center For Human Genetics Tuebingen Variant Classification Criteria Version 2. Collection method: clinical testing. Allele origin: germline. Affected: yes. Observed: 2 variant alleles.
Comment: SBF1: PM2, PP3

NM_002972.4(SBF1):c.5195G>A (p.Arg1732His)

Gene: SBF1 (SET binding factor 1; minus strand). Cytogenetic location: 22q13.33.
Variant type: single nucleotide variant.
Coding change: c.5195G>A on transcript NM_002972.4 (MANE Select); coding-DNA position 5195, G replaced by A.
Protein change: p.Arg1732His; replaces arginine 1732 with histidine.
Molecular consequence: missense variant.
Genome position (GRCh38, 1-based): chr22:50,448,401, C>T on the plus strand (G>A on the coding strand, the complement: SBF1 is on the minus strand). VCF-style: chr22-50448401-C-T. GRCh37 (hg19) VCF-style: chr22-50886830-C-T.
Other names: c.5120G>A, p.Arg1707His (NM_001365819.1); short protein forms R1707H, R1732H.
Identifiers: ClinVar variation 916189 (VCV000916189.40), dbSNP rs901723487, ClinGen allele CA325524748.